The following is an entry in ClinVar:

ClinVar aggregate classification (germline): Uncertain significance (1 of 4 stars; one submission).

Conditions:
Spermatogenic failure 18. Identifiers: MedGen C4539783, MONDO:0054615, OMIM 617576.
Ciliary dyskinesia, primary, 37 (CILD37). Also called: CILIARY DYSKINESIA, PRIMARY, 37, WITH OR WITHOUT SITUS INVERSUS. Identifiers: MedGen C4539798, MONDO:0033204, OMIM 617577.

Allele frequency attached by ClinVar (database versions not stated): gnomAD exomes below 0.00001.
gnomAD v4.1: 1 of 1,613,708 alleles (0.000062%); highest among the groups gnomAD compares: Non-Finnish European, 0.000085%; no homozygotes.

Submission:

Labcorp Genetics (formerly Invitae), Labcorp
Classification: Uncertain significance for Ciliary dyskinesia, primary, 37; Spermatogenic failure 18. Last evaluated: 2022-07-05. Review status: criteria provided, single submitter. Criteria: Invitae Variant Classification Sherloc (09022015). Collection method: clinical testing. Allele origin: germline.
Comment: This missense change has been observed in individual(s) with clinical features of DNAH1-related conditions (Invitae). In summary, the available evidence is currently insufficient to determine the role of this variant in disease. Therefore, it has been classified as a Variant of Uncertain Significance. Algorithms developed to predict the effect of missense changes on protein structure and function (SIFT, PolyPhen-2, Align-GVGD) all suggest that this variant is likely to be tolerated. ClinVar contains an entry for this variant (Variation ID: 478441). This variant is not present in population databases (gnomAD no frequency). This sequence change replaces alanine, which is neutral and non-polar, with aspartic acid, which is acidic and polar, at codon 1131 of the DNAH1 protein (p.Ala1131Asp).

NM_015512.5(DNAH1):c.3392C>A (p.Ala1131Asp)

Gene: DNAH1 (dynein axonemal heavy chain 1; plus strand). Cytogenetic location: 3p21.1.
Variant type: single nucleotide variant.
Coding change: c.3392C>A on transcript NM_015512.5 (MANE Select); coding-DNA position 3392, C replaced by A.
Protein change: p.Ala1131Asp; replaces alanine 1131 with aspartic acid.
Molecular consequence: missense variant.
Genome position (GRCh38, 1-based): chr3:52,353,545, C>A. VCF-style: chr3-52353545-C-A. GRCh37 (hg19) VCF-style: chr3-52387561-C-A.
Other names: short protein forms A1131D.
Identifiers: ClinVar variation 478441 (VCV000478441.5), dbSNP rs1553633502, ClinGen allele CA353115206.